The following is an entry in ClinVar:

NM_006231.4(POLE):c.3278C>T (p.Ala1093Val)

Gene: POLE (DNA polymerase epsilon, catalytic subunit; minus strand). Cytogenetic location: 12q24.33.
Variant type: single nucleotide variant.
Coding change: c.3278C>T on transcript NM_006231.4 (MANE Select); coding-DNA position 3278, C replaced by T.
Protein change: p.Ala1093Val; replaces alanine 1093 with valine.
Molecular consequence: missense variant.
Genome position (GRCh38, 1-based): chr12:132,657,968, G>A on the plus strand (C>T on the coding strand, the complement: POLE is on the minus strand). VCF-style: chr12-132657968-G-A. GRCh37 (hg19) VCF-style: chr12-133234554-G-A.
Other names: short protein forms A1093V.
Identifiers: ClinVar variation 1463787 (VCV001463787.8), dbSNP rs1565954149, ClinGen allele CA387389895.

ClinVar aggregate classification (germline): Uncertain significance (1 of 4 stars; one submission).

Allele frequency attached by ClinVar (database versions not stated): TOPMed below 0.00001.

Submission:

Labcorp Genetics (formerly Invitae), Labcorp
Classification: Uncertain significance. Last evaluated: 2021-01-20. Review status: criteria provided, single submitter. Criteria: Invitae Variant Classification Sherloc (09022015). Collection method: clinical testing. Allele origin: germline.
Comment: This sequence change replaces alanine with valine at codon 1093 of the POLE protein (p.Ala1093Val). The alanine residue is highly conserved and there is a small physicochemical difference between alanine and valine. This variant is not present in population databases (ExAC no frequency). This variant has not been reported in the literature in individuals with POLE-related conditions. Algorithms developed to predict the effect of missense changes on protein structure and function (SIFT, PolyPhen-2, Align-GVGD) all suggest that this variant is likely to be disruptive, but these predictions have not been confirmed by published functional studies and their clinical significance is uncertain. In summary, the available evidence is currently insufficient to determine the role of this variant in disease. Therefore, it has been classified as a Variant of Uncertain Significance.